The following is an entry in ClinVar:

NM_007272.3(CTRC):c.185C>T (p.Thr62Ile)

Gene: CTRC (chymotrypsin C; plus strand). Cytogenetic location: 1p36.21.
Variant type: single nucleotide variant.
Coding change: c.185C>T on transcript NM_007272.3 (MANE Select); coding-DNA position 185, C replaced by T.
Protein change: p.Thr62Ile; replaces threonine 62 with isoleucine.
Molecular consequence: missense variant.
Genome position (GRCh38, 1-based): chr1:15,440,545, C>T. VCF-style: chr1-15440545-C-T. GRCh37 (hg19) VCF-style: chr1-15767041-C-T.
Other names: short protein forms T62I.
Identifiers: ClinVar variation 3837286 (VCV003837286.1).

ClinVar aggregate classification (germline): Uncertain significance (1 of 4 stars; one submission).

Conditions:
Hereditary pancreatitis (PCTT). Also called: PRSS1-Related Hereditary Pancreatitis; Hereditary chronic pancreatitis. Identifiers: Orphanet 676, MedGen C0238339, MONDO:0008185, OMIM 167800.

gnomAD v4.1: 2 of 1,614,162 alleles (0.00012%); highest among the groups gnomAD compares: African/African-American, 0.0013%; no homozygotes.

Submission:

Ambry Genetics
Classification: Uncertain significance for Hereditary pancreatitis. Last evaluated: 2025-01-23. Review status: criteria provided, single submitter. Criteria: Ambry Variant Classification Scheme 2023. Collection method: clinical testing. Allele origin: germline.
Comment: The p.T62I variant (also known as c.185C>T), located in coding exon 3 of the CTRC gene, results from a C to T substitution at nucleotide position 185. The threonine at codon 62 is replaced by isoleucine, an amino acid with similar properties. This amino acid position is conserved. In addition, the in silico prediction for this alteration is inconclusive. Based on the available evidence, the clinical significance of this variant remains unclear.